The following is an entry in ClinVar:

NM_006642.5(SDCCAG8):c.676-2A>G

Gene: SDCCAG8 (SHH signaling and ciliogenesis regulator SDCCAG8; plus strand). Cytogenetic location: 1q43.
Variant type: single nucleotide variant.
Coding change: c.676-2A>G on transcript NM_006642.5 (MANE Select); the canonical splice acceptor site of the intron before coding-DNA position 676, A replaced by G.
Molecular consequence: splice acceptor variant.
Genome position (GRCh38, 1-based): chr1:243,304,711, A>G. VCF-style: chr1-243304711-A-G. GRCh37 (hg19) VCF-style: chr1-243468013-A-G.
Other names: c.382-2A>G (NM_001350249.2); c.-602-2A>G (NM_001350251.2); c.772-2A>G (NM_001350248.2); c.-437-2A>G (NM_001350246.2); c.-325-2A>G (NM_001350247.2).
Identifiers: ClinVar variation 3756257 (VCV003756257.2).
Genomic context (GRCh38, chr1:243,304,711, plus strand): 5'-AAAGTTTACTTATAAAATACAGGACATAGAGAAAAATGTACTTCTATTTTTCTTTTCTAT[A>G]GGAGAAGCTAAAACTTACTTATGAGGAAAAGTGTGAAATTGAGGAATCCCAATTGAAGTT-3'

ClinVar aggregate classification (germline): Likely pathogenic (1 of 4 stars; one submission).

Conditions:
Senior-Loken syndrome 7 (SLSN7). Identifiers: Orphanet 3156, MedGen C3150877, MONDO:0013326, OMIM 613615.
Bardet-Biedl syndrome 16 (BBS16). Identifiers: Orphanet 110, MedGen C3889474, MONDO:0014444, OMIM 615993.

Submission:

Labcorp Genetics (formerly Invitae), Labcorp
Classification: Likely pathogenic for Bardet-Biedl syndrome 16; Senior-Loken syndrome 7. Last evaluated: 2025-08-18. Review status: criteria provided, single submitter. Criteria: Invitae Variant Classification Sherloc (09022015). Collection method: clinical testing. Allele origin: germline.
Comment: This sequence change affects an acceptor splice site in intron 6 of the SDCCAG8 gene. It is expected to disrupt RNA splicing. Variants that disrupt the donor or acceptor splice site typically lead to a loss of protein function (PMID: 16199547), and loss-of-function variants in SDCCAG8 are known to be pathogenic (PMID: 20835237, 22190896). This variant is not present in population databases (gnomAD no frequency). This variant has not been reported in the literature in individuals affected with SDCCAG8-related conditions. ClinVar contains an entry for this variant (Variation ID: 3756257). Algorithms developed to predict the effect of sequence changes on RNA splicing suggest that this variant may disrupt the consensus splice site. In summary, the currently available evidence indicates that the variant is pathogenic, but additional data are needed to prove that conclusively. Therefore, this variant has been classified as Likely Pathogenic.

Literature cited by the submitters: PubMed 16199547; PubMed 20835237; PubMed 22190896.